The following is an entry in ClinVar:

NM_000038.6(APC):c.4302C>G (p.Ser1434Arg)

Gene: APC (APC regulator of Wnt signaling pathway; plus strand). Cytogenetic location: 5q22.2.
Variant type: single nucleotide variant.
Coding change: c.4302C>G on transcript NM_000038.6 (MANE Select); coding-DNA position 4302, C replaced by G.
Protein change: p.Ser1434Arg; replaces serine 1434 with arginine.
Molecular consequence: missense variant. On other transcripts: non-coding transcript variant (2).
Genome position (GRCh38, 1-based): chr5:112,839,896, C>G. VCF-style: chr5-112839896-C-G. GRCh37 (hg19) VCF-style: chr5-112175593-C-G.
Other names: c.4302C>G, p.Ser1434Arg (NM_001127510.3, NM_001354895.2, NM_001407450.1); c.4248C>G, p.Ser1416Arg (NM_001127511.3); c.4356C>G, p.Ser1452Arg (NM_001354896.2, NM_001407447.1, NM_001407448.1 and 1 more transcripts); c.4332C>G, p.Ser1444Arg (NM_001354897.2); c.4227C>G, p.Ser1409Arg (NM_001354898.2); c.4218C>G, p.Ser1406Arg (NM_001354899.2); c.4179C>G, p.Ser1393Arg (NM_001354900.2); c.4125C>G, p.Ser1375Arg (NM_001354901.2, NM_001407453.1); and 11 more; short protein forms S1343R, S1416R, S1424R, S1462R, S1351R, S1393R, S1406R, S1452R.
Identifiers: ClinVar variation 5025071 (VCV005025071.1).
Genomic context (GRCh38, chr5:112,839,896, plus strand): 5'-AAGTGGCATTATAAGCCCCAGTGATCTTCCAGATAGCCCTGGACAAACCATGCCACCAAG[C>G]AGAAGTAAAACACCTCCACCACCTCCTCAAACAGCTCAAACCAAGCGAGAAGTACCTAAA-3'
Protein context (NP_000029.2, residues 1424-1444): PDSPGQTMPP[Ser1434Arg]RSKTPPPPPQ

ClinVar aggregate classification (germline): Uncertain significance (1 of 4 stars; one submission).

Conditions:
Hereditary cancer-predisposing syndrome. Also called: Neoplastic Syndromes, Hereditary; Tumor predisposition; Hereditary neoplastic syndrome; Hereditary Cancer Syndrome. Identifiers: Orphanet 140162, MedGen C0027672, MeSH D009386, MONDO:0015356.

gnomAD v4.1: 1 of 1,614,026 alleles (0.000062%); highest among the groups gnomAD compares: Non-Finnish European, 0.000085%; no homozygotes.

Submission:

Ambry Genetics
Classification: Uncertain significance for Hereditary cancer-predisposing syndrome. Last evaluated: 2026-07-06. Review status: criteria provided, single submitter. Criteria: Ambry Variant Classification Scheme 2023. Collection method: clinical testing. Allele origin: germline.
Comment: The p.S1434R variant (also known as c.4302C>G), located in coding exon 15 of the APC gene, results from a C to G substitution at nucleotide position 4302. The serine at codon 1434 is replaced by arginine, an amino acid with dissimilar properties. This amino acid position is conserved. In addition, in silico predictors for this gene do not accurately predict pathogenicity. Based on the available evidence, the clinical significance of this variant remains unclear.